The following is an entry in ClinVar:

NM_016203.4(PRKAG2):c.55G>A (p.Gly19Arg)

Gene: PRKAG2 (protein kinase AMP-activated non-catalytic subunit gamma 2; minus strand). Cytogenetic location: 7q36.1.
Variant type: single nucleotide variant.
Coding change: c.55G>A on transcript NM_016203.4 (MANE Select); coding-DNA position 55, G replaced by A.
Protein change: p.Gly19Arg; replaces glycine 19 with arginine.
Molecular consequence: missense variant.
Genome position (GRCh38, 1-based): chr7:151,876,566, C>T on the plus strand (G>A on the coding strand, the complement: PRKAG2 is on the minus strand). VCF-style: chr7-151876566-C-T. GRCh37 (hg19) VCF-style: chr7-151573651-C-T.
Other names: c.55G>A, p.Gly19Arg (NM_001407021.1, NM_001407022.1, NM_001407023.1 and 2 more transcripts); short protein forms G19R.
Identifiers: ClinVar variation 3073886 (VCV003073886.1), dbSNP rs2485879769, ClinGen allele CA370071961.
Genomic context (GRCh38, chr7:151,876,566, plus strand): 5'-CCGGAATGTGCACGCGCAGCGAACGCCTCTTCTGGCTGGCATTTTTCTTGCCGCCGCTCC[C>T]GCCGGGGCTGGAAACATCTTTTTTCTTCTTGGTGTCCATAACCGCGCTTCCCATAACTCT-3'
Protein context (NP_057287.2, residues 9-29): KKKKDVSSPG[Gly19Arg]SGGKKNASQK

ClinVar aggregate classification (germline): Uncertain significance (1 of 4 stars; one submission).

Conditions:
Hypertrophic cardiomyopathy. Also called: HYPERTROPHIC MYOCARDIOPATHY. Identifiers: Orphanet 217569, MedGen C0007194, MeSH D002312, MONDO:0005045, HP:0001639.

Allele frequency attached by ClinVar (database versions not stated): gnomAD exomes 0.00001.
gnomAD v4.1: 3 of 1,610,486 alleles (0.00019%); highest among the groups gnomAD compares: Middle Eastern, 0.033%; no homozygotes.

Submission:

All of Us Research Program, National Institutes of Health
Classification: Uncertain significance for Hypertrophic cardiomyopathy. Last evaluated: 2023-11-30. Review status: criteria provided, single submitter. Criteria: ACMG Guidelines, 2015. Collection method: clinical testing. Allele origin: germline. Inheritance: Autosomal dominant inheritance. Observed: 1 variant allele, 1 heterozygote.
Comment: This study involves interpretation of variants in research participants for the purpose of population health screening. Participant phenotype was not available at the time of variant classification. Additional details can be found in publication PMID: 35346344, PMCID: PMC8962531